The following is an entry in ClinVar:

NM_198525.3(KIF7):c.2395-43G>A

Gene: KIF7 (kinesin family member 7; minus strand). Cytogenetic location: 15q26.1.
Variant type: single nucleotide variant.
Coding change: c.2395-43G>A on transcript NM_198525.3 (MANE Select); 43 bases into the intron before coding-DNA position 2395, G replaced by A.
Molecular consequence: intron variant.
Genome position (GRCh38, 1-based): chr15:89,633,926, C>T on the plus strand (G>A on the coding strand, the complement: KIF7 is on the minus strand). VCF-style: chr15-89633926-C-T. GRCh37 (hg19) VCF-style: chr15-90177157-C-T.
Identifiers: ClinVar variation 670956 (VCV000670956.2), dbSNP rs894156, ClinGen allele CA7728189.

ClinVar aggregate classification (germline): Benign. Review status: criteria provided, multiple submitters, no conflicts (2 of 4 stars). 2 submissions from 2 submitters: Benign (2). Last evaluated 2018-06-16.

Allele frequency attached by ClinVar (database versions not stated): TOPMed 0.25484; gnomAD 0.25742 and 0.26355; ESP Exome Variant Server 0.25758; 1000 Genomes Project 30x 0.27124; 1000 Genomes Project 0.27536; ExAC 0.31090; gnomAD exomes 0.31104.
gnomAD v4.1: 512,697 of 1,606,866 alleles (32%); highest among the groups gnomAD compares: Middle Eastern, 38%; 84,434 homozygotes.

Submissions (2):

GeneDx
Classification: Benign. Last evaluated: 2018-06-16. Review status: criteria provided, single submitter. Criteria: GeneDx Variant Classification (06012015). Collection method: clinical testing. Allele origin: germline. Affected: yes.
Comment: This variant is considered likely benign or benign based on one or more of the following criteria: it is a conservative change, it occurs at a poorly conserved position in the protein, it is predicted to be benign by multiple in silico algorithms, and/or has population frequency not consistent with disease.

Breakthrough Genomics
Classification: Benign. Review status: criteria provided, single submitter. Criteria: ACMG Guidelines, 2015. Collection method: not provided. Allele origin: germline. Inheritance: Autosomal recessive inheritance. Affected: yes.